The following is an entry in ClinVar:

NM_005026.5(PIK3CD):c.2173C>G (p.Leu725Val)

Gene: PIK3CD (phosphatidylinositol-4,5-bisphosphate 3-kinase catalytic subunit delta; plus strand). Cytogenetic location: 1p36.22.
Variant type: single nucleotide variant.
Coding change: c.2173C>G on transcript NM_005026.5 (MANE Select); coding-DNA position 2173, C replaced by G.
Protein change: p.Leu725Val; replaces leucine 725 with valine.
Molecular consequence: missense variant.
Genome position (GRCh38, 1-based): chr1:9,722,092, C>G. VCF-style: chr1-9722092-C-G. GRCh37 (hg19) VCF-style: chr1-9782150-C-G.
Other names: c.2170C>G, p.Leu724Val (NM_001350234.2); c.2086C>G, p.Leu696Val (NM_001350235.1); short protein forms L696V, L724V, L725V.
Identifiers: ClinVar variation 1479527 (VCV001479527.8), dbSNP rs143471703, ClinGen allele CA577452.

ClinVar aggregate classification (germline): Uncertain significance (1 of 4 stars; one submission).

Conditions:
Immunodeficiency 14 (IMD14A). Also called: ACTIVATED PI3K-DELTA SYNDROME 1; Activated PI3K Delta Syndrome Type 1 (APDS1); p110-DELTA-ACTIVATING MUTATION CAUSING SENESCENT T CELLS, LYMPHADENOPATHY, AND IMMUNODEFICIENCY; IMMUNODEFICIENCY 14A WITH LYMPHOPROLIFERATION, AUTOSOMAL DOMINANT. Identifiers: Orphanet 397596, Orphanet 693661, MedGen C5907821, MONDO:0014222, OMIM 615513.

Allele frequency attached by ClinVar (database versions not stated): gnomAD exomes below 0.00001 and 0.00001; ExAC 0.00001; gnomAD 0.00001 and 0.00002; TOPMed 0.00002; ESP Exome Variant Server 0.00008.

Submission:

Labcorp Genetics (formerly Invitae), Labcorp
Classification: Uncertain significance for Activated PI3K-delta syndrome. Last evaluated: 2021-03-29. Review status: criteria provided, single submitter. Criteria: Invitae Variant Classification Sherloc (09022015). Collection method: clinical testing. Allele origin: germline.
Comment: Algorithms developed to predict the effect of missense changes on protein structure and function (SIFT, PolyPhen-2, Align-GVGD) all suggest that this variant is likely to be tolerated, but these predictions have not been confirmed by published functional studies and their clinical significance is uncertain. In summary, the available evidence is currently insufficient to determine the role of this variant in disease. Therefore, it has been classified as a Variant of Uncertain Significance. This variant has not been reported in the literature in individuals with PIK3CD-related conditions. This variant is present in population databases (rs143471703, ExAC 0.01%). This sequence change replaces leucine with valine at codon 725 of the PIK3CD protein (p.Leu725Val). The leucine residue is moderately conserved and there is a small physicochemical difference between leucine and valine.